The following is an entry in ClinVar:

NM_001042646.3(TRAK1):c.1696A>T (p.Ser566Cys)

Gene: TRAK1 (trafficking kinesin protein 1; plus strand). Cytogenetic location: 3p22.1.
Variant type: single nucleotide variant.
Coding change: c.1696A>T on transcript NM_001042646.3 (MANE Select); coding-DNA position 1696, A replaced by T.
Protein change: p.Ser566Cys; replaces serine 566 with cysteine.
Molecular consequence: missense variant. On other transcripts: non-coding transcript variant (1).
Genome position (GRCh38, 1-based): chr3:42,202,704, A>T. VCF-style: chr3-42202704-A-T. GRCh37 (hg19) VCF-style: chr3-42244196-A-T.
Other names: c.1696A>T, p.Ser566Cys (NM_001349246.2, NM_001349247.2, NM_001265608.2); c.1474A>T, p.Ser492Cys (NM_001349248.1, NM_001349249.1, NM_001265609.2 and 1 more transcripts); c.1522A>T, p.Ser508Cys (NM_001410741.1, NM_014965.5); c.1384A>T, p.Ser462Cys (NM_001349245.1); short protein forms S566C, S508C, S462C, S492C.
Identifiers: ClinVar variation 1978630 (VCV001978630.4), dbSNP rs759677220, ClinGen allele CA352247417.

ClinVar aggregate classification (germline): Uncertain significance (1 of 4 stars; one submission).

Allele frequency attached by ClinVar (database versions not stated): TOPMed below 0.00001.
gnomAD v4.1: 1 of 1,613,858 alleles (0.000062%); highest among the groups gnomAD compares: Non-Finnish European, 0.000085%; no homozygotes.

Submission:

Labcorp Genetics (formerly Invitae), Labcorp
Classification: Uncertain significance. Last evaluated: 2022-02-28. Review status: criteria provided, single submitter. Criteria: Invitae Variant Classification Sherloc (09022015). Collection method: clinical testing. Allele origin: germline.
Comment: In summary, the available evidence is currently insufficient to determine the role of this variant in disease. Therefore, it has been classified as a Variant of Uncertain Significance. Algorithms developed to predict the effect of missense changes on protein structure and function are either unavailable or do not agree on the potential impact of this missense change (SIFT: "Tolerated"; PolyPhen-2: "Probably Damaging"; Align-GVGD: "Class C15"). This variant has not been reported in the literature in individuals affected with TRAK1-related conditions. This variant is not present in population databases (gnomAD no frequency). This sequence change replaces serine, which is neutral and polar, with cysteine, which is neutral and slightly polar, at codon 566 of the TRAK1 protein (p.Ser566Cys).